The following is an entry in ClinVar:

ClinVar aggregate classification (germline): Conflicting classifications of pathogenicity. Review status: criteria provided, conflicting classifications (1 of 4 stars). 2 submissions from 2 submitters: Uncertain significance (1); Likely benign (1). Last evaluated 2025-12-03.

Conditions:
Hereditary cancer-predisposing syndrome. Also called: Hereditary neoplastic syndrome; Tumor predisposition; Neoplastic Syndromes, Hereditary; Hereditary Cancer Syndrome. Identifiers: Orphanet 140162, MedGen C0027672, MeSH D009386, MONDO:0015356.
Neuroblastoma, susceptibility to, 3. Also called: ALK-Related Neuroblastic Tumor Susceptibility. Identifiers: Orphanet 635, MedGen C2751681, MONDO:0013083, OMIM 613014.

Allele frequency attached by ClinVar (database versions not stated): gnomAD exomes below 0.00001; TOPMed below 0.00001.
gnomAD v4.1: 1 of 1,614,212 alleles (0.000062%); highest among the groups gnomAD compares: Non-Finnish European, 0.000085%; no homozygotes.

Submissions (2):

Labcorp Genetics (formerly Invitae), Labcorp
Classification: Uncertain significance for Neuroblastoma, susceptibility to, 3. Last evaluated: 2025-12-03. Review status: criteria provided, single submitter. Criteria: Invitae Variant Classification Sherloc (09022015). Collection method: clinical testing. Allele origin: germline.
Comment: This sequence change replaces alanine, which is neutral and non-polar, with threonine, which is neutral and polar, at codon 1564 of the ALK protein (p.Ala1564Thr). This variant is not present in population databases (gnomAD no frequency). This variant has not been reported in the literature in individuals affected with ALK-related conditions. ClinVar contains an entry for this variant (Variation ID: 857388). An algorithm developed to predict the effect of missense changes on protein structure and function outputs the following: PolyPhen-2: "Benign". The threonine amino acid residue is found in multiple mammalian species, which suggests that this missense change does not adversely affect protein function. In summary, the available evidence is currently insufficient to determine the role of this variant in disease. Therefore, it has been classified as a Variant of Uncertain Significance.

Ambry Genetics
Classification: Likely benign for Hereditary cancer-predisposing syndrome. Last evaluated: 2025-05-27. Review status: criteria provided, single submitter. Criteria: Ambry Variant Classification Scheme 2023. Collection method: clinical testing. Allele origin: germline.

NM_004304.5(ALK):c.4690G>A (p.Ala1564Thr)

Gene: ALK (ALK receptor tyrosine kinase; minus strand). Cytogenetic location: 2p23.2.
Variant type: single nucleotide variant.
Coding change: c.4690G>A on transcript NM_004304.5 (MANE Select); coding-DNA position 4690, G replaced by A.
Protein change: p.Ala1564Thr; replaces alanine 1564 with threonine.
Molecular consequence: missense variant.
Genome position (GRCh38, 1-based): chr2:29,193,397, C>T on the plus strand (G>A on the coding strand, the complement: ALK is on the minus strand). VCF-style: chr2-29193397-C-T. GRCh37 (hg19) VCF-style: chr2-29416263-C-T.
Other names: c.1486G>A, p.Ala496Thr (NM_001353765.2); short protein forms A496T, A1564T.
Identifiers: ClinVar variation 857388 (VCV000857388.11), dbSNP rs1019065457, ClinGen allele CA44634750.
Genomic context (GRCh38, chr2:29,193,397, plus strand): 5'-AATTGACATTCCCACAAGGGAAGTGACGTAGCCTGAACAGAGGTACCTCCTTCATATTGG[C>T]AGTCAGCGAAGAGGGCTCTAGGAGCAGTGAGGCCCCCGGAAGTCTCCCAGTTGCAACGTT-3'
Protein context (NP_004295.2, residues 1554-1574): SLLLEPSSLT[Ala1564Thr]NMKEVPLFRL